The following is an entry in ClinVar:

ClinVar aggregate classification (germline): Conflicting classifications of pathogenicity. Review status: criteria provided, conflicting classifications (1 of 4 stars). 5 submissions from 5 submitters: Uncertain significance (3); Likely benign (1). 1 of the submissions does not count toward it. Last evaluated 2025-12-08.

Conditions:
POLD1-related polyposis and colorectal cancer syndrome (CRCS10). Also called: COLORECTAL CANCER, SUSCEPTIBILITY TO, ON CHROMOSOME 19q; Colorectal cancer 10; Colorectal cancer, susceptibility to, 10. Identifiers: Orphanet 220460, MedGen C2675481, MONDO:0012953, OMIM 612591.
POLD1-related disorder. Also called: POLD1-related condition; POLD1-related disorders.
Hereditary cancer-predisposing syndrome. Also called: Hereditary Cancer Syndrome; Neoplastic Syndromes, Hereditary; Hereditary neoplastic syndrome; Tumor predisposition. Identifiers: Orphanet 140162, MedGen C0027672, MeSH D009386, MONDO:0015356.

Allele frequency attached by ClinVar (database versions not stated): gnomAD exomes 0.00001; ExAC 0.00002; gnomAD 0.00003; TOPMed 0.00004.
gnomAD v4.1: 19 of 1,612,836 alleles (0.0012%); highest among the groups gnomAD compares: African/African-American, 0.0067%; no homozygotes.

Submissions (5):

Labcorp Genetics (formerly Invitae), Labcorp
Classification: Likely benign for POLD1-related polyposis and colorectal cancer syndrome. Last evaluated: 2025-12-08. Review status: criteria provided, single submitter. Criteria: Invitae Variant Classification Sherloc (09022015). Collection method: clinical testing. Allele origin: germline.

Ambry Genetics
Classification: Uncertain significance for Hereditary cancer-predisposing syndrome. Last evaluated: 2024-12-16. Review status: criteria provided, single submitter. Criteria: Ambry Variant Classification Scheme 2023. Collection method: clinical testing. Allele origin: germline.
Comment: The c.758+5G>A intronic variant results from a G to A substitution 5 nucleotides after coding exon 5 in the POLD1 gene. This nucleotide position is poorly conserved in available vertebrate species. In silico splice site analysis predicts that this alteration will not have any significant effect on splicing. Based on the available evidence, the clinical significance of this variant remains unclear.

Laboratory for Molecular Medicine, Mass General Brigham Personalized Medicine
Classification: Uncertain significance. Last evaluated: 2018-10-19. Review status: criteria provided, single submitter. Criteria: LMM Criteria. Collection method: clinical testing. Allele origin: germline. Observed: 1 variant allele.
Comment: The c.758+5G>A variant in POLD1 has not been previously reported in the literatu re in individuals with hereditary colorectal cancer but has been reported by oth er clinical laboratories in ClinVar (Variation ID: 239367). It has also been ide ntified in 3/23884 African chromosomes by gnomAD (rg). This variant is located in the 5' splice region. Computational tools sugges t a possible impact to splicing. However, this information is not predictive eno ugh to determine pathogenicity. In summary, the clinical significance of the c.7 58+5G>A variant is uncertain. ACMG/AMP Criteria applied: PP3.

Quest Diagnostics Nichols Institute San Juan Capistrano
Classification: Uncertain significance. Last evaluated: 2018-05-04. Review status: criteria provided, single submitter. Criteria: Quest Diagnostics criteria. Collection method: clinical testing. Allele origin: germline.

PreventionGenetics, part of Exact Sciences
Classification: Likely benign for POLD1-related condition. Last evaluated: 2023-10-03. Review status: no assertion criteria provided. Collection method: clinical testing. Allele origin: germline. Not counted in ClinVar's aggregate classification.
Comment: This variant is classified as likely benign based on ACMG/AMP sequence variant interpretation guidelines (Richards et al. 2015 PMID: 25741868, with internal and published modifications).

NM_002691.4(POLD1):c.758+5G>A

Gene: POLD1 (DNA polymerase delta 1, catalytic subunit; plus strand). Cytogenetic location: 19q13.33.
Variant type: single nucleotide variant.
Coding change: c.758+5G>A on transcript NM_002691.4 (MANE Select); 5 bases into the intron after coding-DNA position 758, G replaced by A.
Molecular consequence: intron variant.
Genome position (GRCh38, 1-based): chr19:50,402,378, G>A. VCF-style: chr19-50402378-G-A. GRCh37 (hg19) VCF-style: chr19-50905635-G-A.
Other names: c.758+5G>A (LRG_785t2, LRG_785t1, NM_001256849.1 and 1 more transcripts).
Identifiers: ClinVar variation 239367 (VCV000239367.23), dbSNP rs760003191, ClinGen allele CA9595881.